The following is an entry in ClinVar:

NM_006269.2(RP1):c.35T>C (p.Ile12Thr)

Gene: RP1 (RP1 axonemal microtubule associated; plus strand). Cytogenetic location: 8q12.1.
Variant type: single nucleotide variant.
Coding change: c.35T>C on transcript NM_006269.2 (MANE Select); coding-DNA position 35, T replaced by C.
Protein change: p.Ile12Thr; replaces isoleucine 12 with threonine.
Molecular consequence: missense variant.
Genome position (GRCh38, 1-based): chr8:54,621,001, T>C. VCF-style: chr8-54621001-T-C. GRCh37 (hg19) VCF-style: chr8-55533561-T-C.
Other names: c.35T>C, p.Ile12Thr (NM_001375654.1); short protein forms I12T.
Identifiers: ClinVar variation 3006388 (VCV003006388.3), dbSNP rs753641962, ClinGen allele CA4751073.

ClinVar aggregate classification (germline): Uncertain significance (1 of 4 stars; one submission).

Allele frequency attached by ClinVar (database versions not stated): ExAC 0.00001.

Submission:

Labcorp Genetics (formerly Invitae), Labcorp
Classification: Uncertain significance. Last evaluated: 2022-12-24. Review status: criteria provided, single submitter. Criteria: Invitae Variant Classification Sherloc (09022015). Collection method: clinical testing. Allele origin: germline.
Comment: In summary, the available evidence is currently insufficient to determine the role of this variant in disease. Therefore, it has been classified as a Variant of Uncertain Significance. Algorithms developed to predict the effect of missense changes on protein structure and function are either unavailable or do not agree on the potential impact of this missense change (SIFT: "Deleterious"; PolyPhen-2: "Benign"; Align-GVGD: "Class C25"). This variant has not been reported in the literature in individuals affected with RP1-related conditions. This variant is not present in population databases (gnomAD no frequency). This sequence change replaces isoleucine, which is neutral and non-polar, with threonine, which is neutral and polar, at codon 12 of the RP1 protein (p.Ile12Thr).